The following is an entry in ClinVar:

NM_004415.4(DSP):c.1527G>T (p.Gly509=)

Gene: DSP (desmoplakin; plus strand). Cytogenetic location: 6p24.3.
Variant type: single nucleotide variant.
Coding change: c.1527G>T on transcript NM_004415.4 (MANE Select); coding-DNA position 1527, G replaced by T.
Protein change: p.Gly509=; no amino-acid change (glycine 509 retained).
Molecular consequence: synonymous variant.
Genome position (GRCh38, 1-based): chr6:7,569,293, G>T. VCF-style: chr6-7569293-G-T. GRCh37 (hg19) VCF-style: chr6-7569526-G-T.
Other names: c.1527G>T, p.Gly509= (NM_001008844.3, NM_001319034.2).
Identifiers: ClinVar variation 44862 (VCV000044862.16), dbSNP rs397516917, ClinGen allele CA005011.

ClinVar aggregate classification (germline): Likely benign. Review status: criteria provided, multiple submitters, no conflicts (2 of 4 stars). 4 submissions from 4 submitters: Likely benign (4). Last evaluated 2023-08-15.

Conditions:
Cardiovascular phenotype. Identifiers: MedGen CN230736.
Arrhythmogenic cardiomyopathy with wooly hair and keratoderma. Also called: Dilated cardiomyopathy with woolly hair and keratoderma; Arrhythmogenic cardiomyopathy with woolly hair and keratoderma; PALMOPLANTAR KERATODERMA WITH LEFT VENTRICULAR CARDIOMYOPATHY AND WOOLLY HAIR; Carvajal syndrome. Identifiers: Orphanet 65282, MedGen C1854063, MONDO:0011581, OMIM 605676.
Arrhythmogenic right ventricular dysplasia 8 (ARVD8). Also called: Arrhythmogenic Right Ventricular Dysplasia/Cardiomyopathy 8; ARRHYTHMOGENIC RIGHT VENTRICULAR DYSPLASIA, FAMILIAL, 8; ARRHYTHMOGENIC RIGHT VENTRICULAR CARDIOMYOPATHY 8. Identifiers: MedGen C1843896, MONDO:0011831, OMIM 607450.

Allele frequency attached by ClinVar (database versions not stated): gnomAD exomes below 0.00001.
gnomAD v4.1: 2 of 1,614,146 alleles (0.00012%); highest among the groups gnomAD compares: Non-Finnish European, 0.00017%; no homozygotes.

Submissions (4):

All of Us Research Program, National Institutes of Health
Classification: Likely benign for Arrhythmogenic cardiomyopathy with wooly hair and keratoderma. Last evaluated: 2023-08-15. Review status: criteria provided, single submitter. Criteria: ACMG Guidelines, 2015. Collection method: clinical testing. Allele origin: germline. Inheritance: Autosomal dominant inheritance. Observed: 2 variant alleles, 2 heterozygotes.
Comment: This study involves interpretation of variants in research participants for the purpose of population health screening. Participant phenotype was not available at the time of variant classification. Additional details can be found in publication PMID: 35346344, PMCID: PMC8962531

Ambry Genetics
Classification: Likely benign for Cardiovascular phenotype. Last evaluated: 2022-04-18. Review status: criteria provided, single submitter. Criteria: Ambry Variant Classification Scheme 2023. Collection method: clinical testing. Allele origin: germline.

Labcorp Genetics (formerly Invitae), Labcorp
Classification: Likely benign for Arrhythmogenic cardiomyopathy with wooly hair and keratoderma; Arrhythmogenic right ventricular dysplasia 8. Last evaluated: 2019-05-12. Review status: criteria provided, single submitter. Criteria: Invitae Variant Classification Sherloc (09022015). Collection method: clinical testing. Allele origin: germline.

Laboratory for Molecular Medicine, Mass General Brigham Personalized Medicine
Classification: Likely benign. Last evaluated: 2012-05-15. Review status: criteria provided, single submitter. Criteria: LMM Criteria. Collection method: clinical testing. Allele origin: germline. Observed: 1 variant allele.
Comment: Gly509Gly in Exon 12 of DSP: This variant is not expected to have clinical signi ficance because it does not alter an amino acid residue and is not located withi n the splice consensus sequence. Gly509Gly in Exon 12 of DSP (allele frequency = n/a)